The following is an entry in ClinVar:

ClinVar aggregate classification (germline): Uncertain significance (1 of 4 stars; one submission).

Allele frequency attached by ClinVar (database versions not stated): gnomAD exomes below 0.00001; ExAC 0.00001.

Submission:

Labcorp Genetics (formerly Invitae), Labcorp
Classification: Uncertain significance. Last evaluated: 2024-04-01. Review status: criteria provided, single submitter. Criteria: Invitae Variant Classification Sherloc (09022015). Collection method: clinical testing. Allele origin: germline.
Comment: This sequence change replaces valine, which is neutral and non-polar, with isoleucine, which is neutral and non-polar, at codon 407 of the MPDZ protein (p.Val407Ile). This variant is present in population databases (rs769363222, gnomAD 0.0009%). This variant has not been reported in the literature in individuals affected with MPDZ-related conditions. ClinVar contains an entry for this variant (Variation ID: 1716026). An algorithm developed to predict the effect of missense changes on protein structure and function (PolyPhen-2) suggests that this variant is likely to be tolerated. In summary, the available evidence is currently insufficient to determine the role of this variant in disease. Therefore, it has been classified as a Variant of Uncertain Significance.

NM_001378778.1(MPDZ):c.1219G>A (p.Val407Ile)

Gene: MPDZ (multiple PDZ domain crumbs cell polarity complex component; minus strand). Cytogenetic location: 9p23.
Variant type: single nucleotide variant.
Coding change: c.1219G>A on transcript NM_001378778.1 (MANE Select); coding-DNA position 1219, G replaced by A.
Protein change: p.Val407Ile; replaces valine 407 with isoleucine.
Molecular consequence: missense variant.
Genome position (GRCh38, 1-based): chr9:13,216,845, C>T on the plus strand (G>A on the coding strand, the complement: MPDZ is on the minus strand). VCF-style: chr9-13216845-C-T. GRCh37 (hg19) VCF-style: chr9-13216844-C-T.
Other names: c.1219G>A, p.Val407Ile (NM_001261406.2, NM_001261407.2, NM_001330637.2 and 14 more transcripts); short protein forms V407I.
Identifiers: ClinVar variation 1716026 (VCV001716026.5), dbSNP rs769363222, ClinGen allele CA4987855.